The following is an entry in ClinVar:

ClinVar aggregate classification (germline): Uncertain significance. Review status: criteria provided, multiple submitters, no conflicts (2 of 4 stars). 2 submissions from 2 submitters: Uncertain significance (2). Last evaluated 2025-05-07.

Conditions:
Holoprosencephaly 5 (HPE5). Identifiers: Orphanet 2162, MedGen C1864827, MONDO:0012322, OMIM 609637.

Submissions (2):

Labcorp Genetics (formerly Invitae), Labcorp
Classification: Uncertain significance for Holoprosencephaly 5. Last evaluated: 2025-05-07. Review status: criteria provided, single submitter. Criteria: Invitae Variant Classification Sherloc (09022015). Collection method: clinical testing. Allele origin: germline.
Comment: This sequence change replaces proline, which is neutral and non-polar, with serine, which is neutral and polar, at codon 112 of the ZIC2 protein (p.Pro112Ser). This variant is not present in population databases (gnomAD no frequency). This variant has not been reported in the literature in individuals affected with ZIC2-related conditions. ClinVar contains an entry for this variant (Variation ID: 3575626). Invitae Evidence Modeling of protein sequence and biophysical properties (such as structural, functional, and spatial information, amino acid conservation, physicochemical variation, residue mobility, and thermodynamic stability) indicates that this missense variant is not expected to disrupt ZIC2 protein function with a negative predictive value of 80%. In summary, the available evidence is currently insufficient to determine the role of this variant in disease. Therefore, it has been classified as a Variant of Uncertain Significance.

Fulgent Genetics
Classification: Uncertain significance for Holoprosencephaly 5. Last evaluated: 2024-05-20. Review status: criteria provided, single submitter. Criteria: ACMG Guidelines, 2015. Collection method: clinical testing. Allele origin: germline.

NM_007129.5(ZIC2):c.334C>T (p.Pro112Ser)

Gene: ZIC2 (Zic family zinc finger 2; plus strand). Cytogenetic location: 13q32.3.
Variant type: single nucleotide variant.
Coding change: c.334C>T on transcript NM_007129.5 (MANE Select); coding-DNA position 334, C replaced by T.
Protein change: p.Pro112Ser; replaces proline 112 with serine.
Molecular consequence: missense variant.
Genome position (GRCh38, 1-based): chr13:99,982,398, C>T. VCF-style: chr13-99982398-C-T. GRCh37 (hg19) VCF-style: chr13-100634652-C-T.
Other names: short protein forms P112S.
Identifiers: ClinVar variation 3575626 (VCV003575626.2).